The following is an entry in ClinVar:

NM_001371596.2(MFSD8):c.677T>C (p.Ile226Thr)

Gene: MFSD8 (major facilitator superfamily domain containing 8; minus strand). Cytogenetic location: 4q28.2.
Variant type: single nucleotide variant.
Coding change: c.677T>C on transcript NM_001371596.2 (MANE Select); coding-DNA position 677, T replaced by C.
Protein change: p.Ile226Thr; replaces isoleucine 226 with threonine.
Molecular consequence: missense variant. On other transcripts: intron variant (5).
Genome position (GRCh38, 1-based): chr4:127,939,874, A>G on the plus strand (T>C on the coding strand, the complement: MFSD8 is on the minus strand). VCF-style: chr4-127939874-A-G. GRCh37 (hg19) VCF-style: chr4-128861029-A-G.
Other names: p.I226T:ATT>ACT; c.542T>C, p.Ile181Thr (NM_001371590.2); c.677T>C, p.Ile226Thr (NM_001371591.2, NM_152778.4); c.683T>C, p.Ile228Thr (NM_001371592.2); c.563T>C, p.Ile188Thr (NM_001371593.2, NM_001410766.1); c.419-1038T>C (NM_001371595.1); c.304+3878T>C (NM_001410765.1); c.439+3878T>C (NM_001363521.3); and 2 more; short protein forms I226T, I181T, I188T, I228T.
Identifiers: ClinVar variation 206153 (VCV000206153.55), dbSNP rs200591471, ClinGen allele CA315969.
Genomic context (GRCh38, chr4:127,939,874, plus strand): 5'-CAATCTACAAAAATAGTTTTATCATTTCTATCTAATTACCTTAGTATGGCAAGGATCAGA[A>G]TAATATTTAAAATTCCCAGGAAGGCGCTAAGTAAAACTGGTGTTGTATACATGTTTATCT-3'
Protein context (NP_001358525.1, residues 216-236): LSAFLGILNI[Ile226Thr]LILAILREHR

ClinVar aggregate classification (germline): Conflicting classifications of pathogenicity. Review status: criteria provided, conflicting classifications (1 of 4 stars). 5 submissions from 5 submitters: Uncertain significance (4); Likely benign (1). Last evaluated 2025-08-19.

Conditions:
Inborn genetic diseases. Identifiers: MedGen C0950123, MeSH D030342.
Macular dystrophy with central cone involvement (CCMD). Identifiers: MedGen C4015371, MONDO:0014515, OMIM 616170.
Neuronal ceroid lipofuscinosis 7 (CLN7). Also called: MFSD8-Related Neuronal Ceroid-Lipofuscinosis. Identifiers: Orphanet 168491, Orphanet 228366, MedGen C1838571, MONDO:0012588, OMIM 610951.

Allele frequency attached by ClinVar (database versions not stated): gnomAD exomes 0.00001 and 0.00003; ExAC 0.00005; gnomAD 0.00019 and 0.00023; TOPMed 0.00048; 1000 Genomes Project 0.00080; 1000 Genomes Project 30x 0.00109.
gnomAD v4.1: 65 of 1,613,270 alleles (0.004%); highest among the groups gnomAD compares: Admixed American, 0.083%; no homozygotes.

Submissions (5):

GeneDx
Classification: Uncertain significance. Last evaluated: 2025-08-19. Review status: criteria provided, single submitter. Criteria: GeneDx Variant Classification Process June 2021. Collection method: clinical testing. Allele origin: germline. Affected: yes.
Comment: In silico analysis supports that this missense variant has a deleterious effect on protein structure/function; Has not been previously published as pathogenic or benign to our knowledge

Labcorp Genetics (formerly Invitae), Labcorp
Classification: Uncertain significance for Neuronal ceroid lipofuscinosis 7. Last evaluated: 2022-09-30. Review status: criteria provided, single submitter. Criteria: Invitae Variant Classification Sherloc (09022015). Collection method: clinical testing. Allele origin: germline.
Comment: This sequence change replaces isoleucine, which is neutral and non-polar, with threonine, which is neutral and polar, at codon 226 of the MFSD8 protein (p.Ile226Thr). This variant is present in population databases (rs200591471, gnomAD 0.02%). This variant has not been reported in the literature in individuals affected with MFSD8-related conditions. ClinVar contains an entry for this variant (Variation ID: 206153). Advanced modeling of protein sequence and biophysical properties (such as structural, functional, and spatial information, amino acid conservation, physicochemical variation, residue mobility, and thermodynamic stability) performed at Invitae indicates that this missense variant is not expected to disrupt MFSD8 protein function. In summary, the available evidence is currently insufficient to determine the role of this variant in disease. Therefore, it has been classified as a Variant of Uncertain Significance.

Blueprint Genetics
Classification: Uncertain significance. Last evaluated: 2022-06-13. Review status: criteria provided, single submitter. Criteria: ACMG Guidelines, 2015. Collection method: clinical testing. Allele origin: germline.

Fulgent Genetics
Classification: Uncertain significance for Neuronal ceroid lipofuscinosis 7; Macular dystrophy with central cone involvement. Last evaluated: 2018-10-31. Review status: criteria provided, single submitter. Criteria: ACMG Guidelines, 2015. Collection method: clinical testing. Allele origin: unknown.

Ambry Genetics
Classification: Likely benign for Inborn genetic diseases. Last evaluated: 2017-11-17. Review status: criteria provided, single submitter. Criteria: Ambry Variant Classification Scheme 2023. Collection method: clinical testing. Allele origin: germline.